The following is an entry in ClinVar:

ClinVar aggregate classification (germline): Likely pathogenic (1 of 4 stars; one submission).

Conditions:
Joubert syndrome 26 (JBTS26). Identifiers: Orphanet 475, MedGen C4084843, MONDO:0014771, OMIM 616784.

Submission:

Greenwood Genetic Center Diagnostic Laboratories, Greenwood Genetic Center
Classification: Likely pathogenic for Joubert syndrome 26. Last evaluated: 2021-11-02. Review status: criteria provided, single submitter. Criteria: ACMG Guidelines, 2015. Collection method: clinical testing. Allele origin: germline. Affected: yes.
Comment: PVS1, PM2

NM_015202.5(KATNIP):c.4133+1G>A

Genes: KATNIP (katanin interacting protein; plus strand), LOC126862323 (P300/CBP strongly-dependent group 1 enhancer GRCh37_chr16:27780758-27781957; plus strand). Cytogenetic location: 16p12.1.
Variant type: single nucleotide variant.
Coding change: c.4133+1G>A on transcript NM_015202.5 (MANE Select); the canonical splice donor site of the intron after coding-DNA position 4133, G replaced by A.
Molecular consequence: splice donor variant.
Genome position (GRCh38, 1-based): chr16:27,770,019, G>A. VCF-style: chr16-27770019-G-A. GRCh37 (hg19) VCF-style: chr16-27781340-G-A.
Identifiers: ClinVar variation 1334634 (VCV001334634.4), dbSNP rs2144173006, ClinGen allele CA395330462.
Genomic context (GRCh38, chr16:27,770,019, plus strand): 5'-TCAAGAAATCCTCTTCGTGGACTACCTACGGGCTCAGCTGCTGCCCCAGCCGGCCAGGAG[G>A]TGAGGAGAAAGTGGGCGCCACACACAGCCCCTCCCGGCCCCTGGGCCCGCTTGCTTTGCA-3'